The following is an entry in ClinVar:

NM_001220.5(CAMK2B):c.489G>C (p.Glu163Asp)

Gene: CAMK2B (calcium/calmodulin dependent protein kinase II beta; minus strand). Cytogenetic location: 7p13.
Variant type: single nucleotide variant.
Coding change: c.489G>C on transcript NM_001220.5 (MANE Select); coding-DNA position 489, G replaced by C.
Protein change: p.Glu163Asp; replaces glutamic acid 163 with aspartic acid.
Molecular consequence: missense variant.
Genome position (GRCh38, 1-based): chr7:44,243,453, C>G on the plus strand (G>C on the coding strand, the complement: CAMK2B is on the minus strand). VCF-style: chr7-44243453-C-G. GRCh37 (hg19) VCF-style: chr7-44283052-C-G.
Other names: c.489G>C, p.Glu163Asp (NM_001293170.2, NM_172078.3, NM_172079.3 and 5 more transcripts); short protein forms E163D.
Identifiers: ClinVar variation 5009191 (VCV005009191.1).

ClinVar aggregate classification (germline): Uncertain significance (1 of 4 stars; one submission).

Submission:

GeneDx
Classification: Uncertain significance. Last evaluated: 2026-03-13. Review status: criteria provided, single submitter. Criteria: GeneDx Variant Classification Process June 2021. Collection method: clinical testing. Allele origin: germline.
Comment: Not observed at significant frequency in large population cohorts (gnomAD); In silico analysis supports that this missense variant has a deleterious effect on protein structure/function; Has not been previously published as pathogenic or benign to our knowledge